The following is an entry in ClinVar:

NM_021926.4(ALX4):c.330GCAGCC[3] (p.Pro116_Pro117insGlnPro)

Gene: ALX4 (ALX homeobox 4; minus strand). Cytogenetic location: 11p11.2.
Variant type: Microsatellite.
Coding change: c.330GCAGCC[3] on transcript NM_021926.4 (MANE Select); three copies in a row of the 6-base unit GCAGCC starting at c.330; the reference has two copies in a row; one copy, 6 bases duplicated.
Protein change: p.Pro116_Pro117insGlnPro.
Molecular consequence: inframe insertion.
Genome position (GRCh38, 1-based): chr11:44,309,722-44,309,727, GGCTGC duplicated on the plus strand (GCAGCC on the coding strand, the reverse complement: ALX4 is on the minus strand); duplicating any 6 consecutive bases within chr11:44,309,722-44,309,733 gives the same sequence; the position shown is the placement nearest the transcript's 3' end. VCF-style (leftmost placement, unchanged base first): chr11-44309721-G-GGGCTGC. GRCh37 (hg19) VCF-style: chr11-44331271-G-GGGCTGC.
Identifiers: ClinVar variation 2641732 (VCV002641732.24), dbSNP rs1159463386, ClinGen allele CA599136905.

ClinVar aggregate classification (germline): Uncertain significance (1 of 4 stars; one submission).

Submission:

CeGaT Center for Human Genetics Tuebingen
Classification: Uncertain significance. Last evaluated: 2023-09-01. Review status: criteria provided, single submitter. Criteria: CeGaT Center For Human Genetics Tuebingen Variant Classification Criteria Version 2. Collection method: clinical testing. Allele origin: germline. Affected: yes. Observed: 1 variant allele.
Comment: ALX4: PM4